The following is an entry in ClinVar:

NM_153676.4(USH1C):c.1096del (p.Glu366fs)

Gene: USH1C (USH1 protein network component harmonin; minus strand). Cytogenetic location: 11p15.1.
Variant type: Deletion.
Coding change: c.1096del on transcript NM_153676.4 (MANE Select); coding-DNA position 1096, one base deleted (G; older notation c.1096delG).
Protein change: p.Glu366fs; shifts the reading frame from glutamic acid 366.
Molecular consequence: frameshift variant. On other transcripts: non-coding transcript variant (1).
Genome position (GRCh38, 1-based): chr11:17,520,984, C deleted on the plus strand (G on the coding strand, the reverse complement: USH1C is on the minus strand); the first of 2 consecutive C bases (chr11:17,520,984-17,520,985); deleting either gives the same sequence. VCF-style (leftmost placement, unchanged base first): chr11-17520983-TC-T. GRCh37 (hg19) VCF-style: chr11-17542530-TC-T.
Other names: c.1039del, p.Glu347fs (NM_001297764.2); c.1096del, p.Glu366fs (NM_005709.4); c.1096delG (NM_005709.3); short protein forms E347fs, E366fs.
Identifiers: ClinVar variation 2679425 (VCV002679425.6), dbSNP rs1565047971, ClinGen allele CA918828257.

ClinVar aggregate classification (germline): Pathogenic/Likely pathogenic. Review status: criteria provided, multiple submitters, no conflicts (2 of 4 stars). 3 submissions from 3 submitters: Pathogenic (1); Likely pathogenic (2). Last evaluated 2025-12-11.

Conditions:
Autosomal recessive nonsyndromic hearing loss 18A. Also called: DEAFNESS, AUTOSOMAL RECESSIVE 18; Deafness, autosomal recessive 18A. Identifiers: Orphanet 90636, MedGen C1865870, MONDO:0011192, OMIM 602092.
Usher syndrome type 1C. Also called: USHER SYNDROME, TYPE I, ACADIAN VARIETY. Identifiers: Orphanet 231169, Orphanet 886, MedGen C1848604, MONDO:0010171, OMIM 276904.

Submissions (3):

Labcorp Genetics (formerly Invitae), Labcorp
Classification: Pathogenic. Last evaluated: 2025-12-11. Review status: criteria provided, single submitter. Criteria: Invitae Variant Classification Sherloc (09022015). Collection method: clinical testing. Allele origin: germline.
Comment: This sequence change creates a premature translational stop signal (p.Glu366Argfs*99) in the USH1C gene. It is expected to result in an absent or disrupted protein product. Loss-of-function variants in USH1C are known to be pathogenic (PMID: 10973247, 17407589, 20301442, 21203349). This variant is not present in population databases (gnomAD no frequency). This variant has not been reported in the literature in individuals affected with USH1C-related conditions. ClinVar contains an entry for this variant (Variation ID: 2679425). For these reasons, this variant has been classified as Pathogenic.

Natera, Inc.
Classification: Likely pathogenic for Usher syndrome type 1C. Last evaluated: 2024-03-19. Review status: criteria provided, single submitter. Criteria: Natera Variant Classification Schema (03/2026). Collection method: clinical testing. Allele origin: germline.
Comment: The c.1096delG variant in USH1C is a frameshift variant predicted to shift the reading frame beginning at codon 366 and leads to a stop codon 99 codons downstream. This variant is expected to result in nonsense mediated decay, truncation, or a dysfunctional protein product. This variant is rare in the general population with a frequency below the threshold expected for the associated phenotype(s). Given the available evidence, this variant is classified as Likely Pathogenic.

Baylor Genetics
Classification: Likely pathogenic for Autosomal recessive nonsyndromic hearing loss 18A. Last evaluated: 2024-03-01. Review status: criteria provided, single submitter. Criteria: ACMG Guidelines, 2015. Collection method: clinical testing. Allele origin: unknown.

Literature cited by the submitters: PubMed 10973247 (cited by Labcorp Genetics (formerly Invitae), Labcorp); PubMed 17407589 (cited by Labcorp Genetics (formerly Invitae), Labcorp); PubMed 20301442 (cited by Labcorp Genetics (formerly Invitae), Labcorp); PubMed 21203349 (cited by Labcorp Genetics (formerly Invitae), Labcorp).